The following is an entry in ClinVar:

ClinVar aggregate classification (germline): Likely benign. Review status: criteria provided, single submitter (1 of 4 stars). 2 submissions from 2 submitters: Likely benign (1). 1 of the submissions does not count toward it. Last evaluated 2026-01-06.

Conditions:
POMC-related disorder. Also called: POMC-related disorders; POMC-related condition.

Allele frequency attached by ClinVar (database versions not stated): TOPMed 0.00003.
gnomAD v4.1: 24 of 1,586,660 alleles (0.0015%); highest among the groups gnomAD compares: Admixed American, 0.016%; no homozygotes.

Submissions (2):

Labcorp Genetics (formerly Invitae), Labcorp
Classification: Likely benign. Last evaluated: 2026-01-06. Review status: criteria provided, single submitter. Criteria: Invitae Variant Classification Sherloc (09022015). Collection method: clinical testing. Allele origin: germline.

PreventionGenetics, part of Exact Sciences
Classification: Likely benign for POMC-related condition. Last evaluated: 2024-04-30. Review status: no assertion criteria provided. Collection method: clinical testing. Allele origin: germline. Not counted in ClinVar's aggregate classification.
Comment: This variant is classified as likely benign based on ACMG/AMP sequence variant interpretation guidelines (Richards et al. 2015 PMID: 25741868, with internal and published modifications).

NM_000939.4(POMC):c.186G>A (p.Pro62=)

Genes: POMC (proopiomelanocortin; minus strand), LOC129933280 (ATAC-STARR-seq lymphoblastoid silent region 11244; plus strand). Cytogenetic location: 2p23.3.
Variant type: single nucleotide variant.
Coding change: c.186G>A on transcript NM_000939.4 (MANE Select); coding-DNA position 186, G replaced by A.
Protein change: p.Pro62=; no amino-acid change (proline 62 retained).
Molecular consequence: synonymous variant.
Genome position (GRCh38, 1-based): chr2:25,161,699, C>T on the plus strand (G>A on the coding strand, the complement: POMC is on the minus strand). VCF-style: chr2-25161699-C-T. GRCh37 (hg19) VCF-style: chr2-25384568-C-T.
Other names: c.186G>A, p.Pro62= (NM_001035256.3, NM_001319204.2, NM_001319205.2); c.186G>A (NM_000939.3).
Identifiers: ClinVar variation 759252 (VCV000759252.7), dbSNP rs765522434, ClinGen allele CA1555359.